The following is an entry in ClinVar:

ClinVar aggregate classification (germline): Pathogenic (1 of 4 stars; one submission).

Submission:

Labcorp Genetics (formerly Invitae), Labcorp
Classification: Pathogenic. Last evaluated: 2020-10-09. Review status: criteria provided, single submitter. Criteria: Invitae Variant Classification Sherloc (09022015). Collection method: clinical testing. Allele origin: germline.
Comment: Loss-of-function variants in PHEX are known to be pathogenic (PMID: 9097956, 9106524, 19219621). This variant has not been reported in the literature in individuals with PHEX-related conditions. This variant is not present in population databases (ExAC no frequency). This sequence change creates a premature translational stop signal (p.Ile482Metfs*30) in the PHEX gene. It is expected to result in an absent or disrupted protein product. For these reasons, this variant has been classified as Pathogenic.

Literature cited by the submitters: PubMed 9097956; PubMed 9106524; PubMed 19219621.

NM_000444.6(PHEX):c.1446_1452del (p.Ile482fs)

Genes: PHEX (phosphate regulating endopeptidase X-linked; plus strand), PHEX-AS1 (PHEX antisense RNA 1; minus strand). Cytogenetic location: Xp22.11.
Variant type: Deletion.
Coding change: c.1446_1452del on transcript NM_000444.6 (MANE Select); coding-DNA positions 1446 to 1452, 7 bases deleted (AATGAAT; older notation c.1446_1452delAATGAAT).
Protein change: p.Ile482fs; shifts the reading frame from isoleucine 482.
Molecular consequence: frameshift variant.
Genome position (GRCh38, 1-based): chrX:22,168,353-22,168,359, AATGAAT deleted; deleting any 7 consecutive bases within chrX:22,168,351-22,168,359 gives the same sequence; the c. name uses the placement nearest the transcript's 3' end. VCF-style (leftmost placement, unchanged base first): chrX-22168350-TATAATGA-T. GRCh37 (hg19) VCF-style: chrX-22186467-TATAATGA-T.
Other names: c.1446_1452del, p.Ile482fs (NM_001282754.2); short protein forms I482fs.
Identifiers: ClinVar variation 1073420 (VCV001073420.7), dbSNP rs2147118758, ClinGen allele CA2499226561.